The following is an entry in ClinVar:

NM_000138.5(FBN1):c.7330+5G>A

Gene: FBN1 (fibrillin 1; minus strand). Cytogenetic location: 15q21.1.
Variant type: single nucleotide variant.
Coding change: c.7330+5G>A on transcript NM_000138.5 (MANE Select); 5 bases into the intron after coding-DNA position 7330, G replaced by A.
Molecular consequence: intron variant.
Genome position (GRCh38, 1-based): chr15:48,425,734, C>T on the plus strand (G>A on the coding strand, the complement: FBN1 is on the minus strand). VCF-style: chr15-48425734-C-T. GRCh37 (hg19) VCF-style: chr15-48717931-C-T.
Identifiers: ClinVar variation 924545 (VCV000924545.9), dbSNP rs1330909386, ClinGen allele CA617833334.

ClinVar aggregate classification (germline): Uncertain significance. Review status: criteria provided, multiple submitters, no conflicts (2 of 4 stars). 3 submissions from 3 submitters: Uncertain significance (3). Last evaluated 2023-06-29.

Conditions:
Familial thoracic aortic aneurysm and aortic dissection (TAAD). Also called: Thoracic aortic aneurysms and dissections. Identifiers: Orphanet 91387, MedGen C4707243, MONDO:0019625.
Marfan syndrome (MFS). Also called: Marfan syndrome, classic; Marfan syndrome type 1; Marfan's syndrome; FBN1-Related Marfan Syndrome; MARFAN SYNDROME, TYPE I. Identifiers: Orphanet 284963, Orphanet 558, MedGen C0024796, MONDO:0007947, OMIM 154700.

Allele frequency attached by ClinVar (database versions not stated): gnomAD exomes 0.00001; gnomAD 0.00001; TOPMed 0.00002.

Submissions (3):

Labcorp Genetics (formerly Invitae), Labcorp
Classification: Uncertain significance for Marfan syndrome; Familial thoracic aortic aneurysm and aortic dissection. Last evaluated: 2023-06-29. Review status: criteria provided, single submitter. Criteria: Invitae Variant Classification Sherloc (09022015). Collection method: clinical testing. Allele origin: germline.
Comment: This sequence change falls in intron 59 of the FBN1 gene. It does not directly change the encoded amino acid sequence of the FBN1 protein. It affects a nucleotide within the consensus splice site. This variant is present in population databases (no rsID available, gnomAD 0.006%), including at least one homozygous and/or hemizygous individual. This variant has not been reported in the literature in individuals affected with FBN1-related conditions. ClinVar contains an entry for this variant (Variation ID: 924545). Variants that disrupt the consensus splice site are a relatively common cause of aberrant splicing (PMID: 17576681, 9536098). Algorithms developed to predict the effect of sequence changes on RNA splicing suggest that this variant may create or strengthen a splice site. In summary, the available evidence is currently insufficient to determine the role of this variant in disease. Therefore, it has been classified as a Variant of Uncertain Significance.

GeneDx
Classification: Uncertain significance. Last evaluated: 2020-10-02. Review status: criteria provided, single submitter. Criteria: GeneDx Variant Classification Process June 2021. Collection method: clinical testing. Allele origin: germline. Affected: yes.
Comment: Has not been previously published as pathogenic or benign to our knowledge; Observed in 0.0012% (3/251,094 alleles), including one homozygous individual, in large population cohorts (Lek et al., 2016); In-silico analysis, which includes splice predictors and evolutionary conservation, is inconclusive as to whether the variant alters gene splicing. In the absence of RNA/functional studies, the actual effect of this sequence change is unknown.; Reported in ClinVar as a variant of uncertain significance (ClinVar Variant ID# 924545; Landrum et al., 2016)

Color Diagnostics, LLC DBA Color Health
Classification: Uncertain significance for Familial thoracic aortic aneurysm and aortic dissection. Last evaluated: 2019-11-13. Review status: criteria provided, single submitter. Criteria: ACMG Guidelines, 2015. Collection method: clinical testing. Allele origin: germline.
Comment: This variant causes a G>A nucleotide substitution at the +5 position of intron 59 of the FBN1 gene. Splice site prediction tools predict that this variant may impact RNA splicing. To our knowledge, functional studies have not been performed for this variant. This variant has not been reported in individuals affected with cardiovascular disorders in the literature. This variant has been identified in 3/251094 chromosomes in the general population by the Genome Aggregation Database (gnomAD). The available evidence is insufficient to determine the role of this variant in disease conclusively. Therefore, this variant is classified as a Variant of Uncertain Significance.

Literature cited by the submitters: PubMed 17576681 (cited by Labcorp Genetics (formerly Invitae), Labcorp); PubMed 9536098 (cited by Labcorp Genetics (formerly Invitae), Labcorp).